The following is an entry in ClinVar:

ClinVar aggregate classification (germline): Uncertain significance. Review status: criteria provided, multiple submitters, no conflicts (2 of 4 stars). 3 submissions from 3 submitters: Uncertain significance (3). Last evaluated 2023-12-08.

Conditions:
Arrhythmogenic right ventricular cardiomyopathy (ARVD). Also called: Arrhythmogenic cardiomyopathy; Cardiomyopathy, ARVC; Arrhythmogenic right ventricular dysplasia; Arrhythmogenic Right Ventricular Cardiomyopathy (ARVC). Identifiers: Orphanet 247, MedGen C0349788, MeSH D019571, MONDO:0016587. Disease mechanism: loss of function. Inheritance: Various modes of inheritance.
Cardiomyopathy (CMYO). Also called: Cardiomyopathies. Identifiers: Orphanet 167848, MedGen C0878544, MONDO:0004994, HP:0001638. Inheritance: Various modes of inheritance.
Cardiovascular phenotype. Identifiers: MedGen CN230736.

Allele frequency attached by ClinVar (database versions not stated): gnomAD exomes below 0.00001.

Submissions (3):

Ambry Genetics
Classification: Uncertain significance for Cardiovascular phenotype. Last evaluated: 2023-12-08. Review status: criteria provided, single submitter. Criteria: Ambry Variant Classification Scheme 2023. Collection method: clinical testing. Allele origin: germline.

Color Diagnostics, LLC DBA Color Health
Classification: Uncertain significance for Cardiomyopathy. Last evaluated: 2023-12-05. Review status: criteria provided, single submitter. Criteria: ACMG Guidelines, 2015. Collection method: clinical testing. Allele origin: germline.
Comment: This missense variant replaces threonine with isoleucine at codon 222 of the DSG2 protein. Computational prediction tools and conservation analyses suggest that this variant may not impact the protein function. Computational splicing tools suggest that this variant may not impact RNA splicing. To our knowledge, functional assays have not been performed for this variant nor has this variant been reported in individuals affected with cardiovascular disorders in the literature. This variant has not been identified in the general population by the Genome Aggregation Database (gnomAD). Available evidence is insufficient to determine the role of this variant in disease conclusively. Therefore, this variant is classified as a Variant of Uncertain Significance.

All of Us Research Program, National Institutes of Health
Classification: Uncertain significance for Arrhythmogenic right ventricular cardiomyopathy. Last evaluated: 2023-08-15. Review status: criteria provided, single submitter. Criteria: ACMG Guidelines, 2015. Collection method: clinical testing. Allele origin: germline. Inheritance: Autosomal dominant inheritance. Observed: 2 variant alleles, 2 heterozygotes.
Comment: This missense variant replaces threonine with isoleucine at codon 222 of the DSG2 protein. Computational prediction tools and conservation analyses suggest that this variant may not impact the protein function. Computational splicing tools suggest that this variant may not impact RNA splicing. To our knowledge, functional assays have not been performed for this variant nor has this variant been reported in individuals affected with cardiovascular disorders in the literature. This variant has not been identified in the general population by the Genome Aggregation Database (gnomAD). Available evidence is insufficient to determine the role of this variant in disease conclusively. Therefore, this variant is classified as a Variant of Uncertain Significance.

This study involves interpretation of variants in research participants for the purpose of population health screening. Participant phenotype was not available at the time of variant classification. Additional details can be found in publication PMID: 35346344, PMCID: PMC8962531

NM_001943.5(DSG2):c.665C>T (p.Thr222Ile)

Gene: DSG2 (desmoglein 2; plus strand). Cytogenetic location: 18q12.1.
Variant type: single nucleotide variant.
Coding change: c.665C>T on transcript NM_001943.5 (MANE Select); coding-DNA position 665, C replaced by T.
Protein change: p.Thr222Ile; replaces threonine 222 with isoleucine.
Molecular consequence: missense variant.
Genome position (GRCh38, 1-based): chr18:31,522,224, C>T. VCF-style: chr18-31522224-C-T. GRCh37 (hg19) VCF-style: chr18-29102187-C-T.
Other names: c.665C>T (NM_001943.3); short protein forms T222I.
Identifiers: ClinVar variation 927896 (VCV000927896.7), dbSNP rs2073132907, ClinGen allele CA402134029.